The following is an entry in ClinVar:

NM_015046.7(SETX):c.5737G>A (p.Asp1913Asn)

Gene: SETX (senataxin; minus strand). Cytogenetic location: 9q34.13.
Variant type: single nucleotide variant.
Coding change: c.5737G>A on transcript NM_015046.7 (MANE Select); coding-DNA position 5737, G replaced by A.
Protein change: p.Asp1913Asn; replaces aspartic acid 1913 with asparagine.
Molecular consequence: missense variant.
Genome position (GRCh38, 1-based): chr9:132,298,124, C>T on the plus strand (G>A on the coding strand, the complement: SETX is on the minus strand). VCF-style: chr9-132298124-C-T. GRCh37 (hg19) VCF-style: chr9-135173511-C-T.
Other names: c.5737G>A, p.Asp1913Asn (NM_001351527.2, NM_001351528.2); short protein forms D1913N.
Identifiers: ClinVar variation 3753923 (VCV003753923.2).

ClinVar aggregate classification (germline): Uncertain significance (1 of 4 stars; one submission).

Conditions:
Amyotrophic lateral sclerosis type 4 (ALS4). Also called: AMYOTROPHIC LATERAL SCLEROSIS 4, JUVENILE; NEURONOPATHY, DISTAL HEREDITARY MOTOR, WITH PYRAMIDAL FEATURES. Identifiers: Orphanet 357043, MedGen C1865409, MONDO:0011223, OMIM 602433.
Spinocerebellar ataxia, autosomal recessive, with axonal neuropathy 2 (SCAN2). Also called: ATAXIA-OCULOMOTOR APRAXIA 2; Ataxia with Oculomotor Apraxia Type 2; Ataxia-ocular apraxia-2; Ataxia with Oculomotor Apraxia. Identifiers: Orphanet 64753, MedGen C1853761, MONDO:0018996, OMIM 606002.

Submission:

Labcorp Genetics (formerly Invitae), Labcorp
Classification: Uncertain significance for Amyotrophic lateral sclerosis type 4; Spinocerebellar ataxia, autosomal recessive, with axonal neuropathy 2. Last evaluated: 2024-09-04. Review status: criteria provided, single submitter. Criteria: Invitae Variant Classification Sherloc (09022015). Collection method: clinical testing. Allele origin: germline.
Comment: This sequence change replaces aspartic acid, which is acidic and polar, with asparagine, which is neutral and polar, at codon 1913 of the SETX protein (p.Asp1913Asn). This variant is not present in population databases (gnomAD no frequency). This variant has not been reported in the literature in individuals affected with SETX-related conditions. Invitae Evidence Modeling of protein sequence and biophysical properties (such as structural, functional, and spatial information, amino acid conservation, physicochemical variation, residue mobility, and thermodynamic stability) indicates that this missense variant is not expected to disrupt SETX protein function with a negative predictive value of 95%. In summary, the available evidence is currently insufficient to determine the role of this variant in disease. Therefore, it has been classified as a Variant of Uncertain Significance.